The following is an entry in ClinVar:

ClinVar aggregate classification (germline): Benign. Review status: criteria provided, multiple submitters, no conflicts (2 of 4 stars). 3 submissions from 3 submitters: Benign (2). 1 of the submissions does not count toward it. Last evaluated 2026-01-19.

Conditions:
Gamma-aminobutyric acid transaminase deficiency (GABATD). Also called: GABA aminotransaminase deficiency; GABA transaminase deficiency; Gamma aminobutyrate transaminase deficiency; 4 alpha aminobutyrate transaminase deficiency. Identifiers: Orphanet 2066, MedGen C0342708, MONDO:0013166, OMIM 613163.
ABAT-related disorder. Also called: ABAT-related condition.

Allele frequency attached by ClinVar (database versions not stated): gnomAD exomes 0.00007 and 0.00020; ExAC 0.00026; ESP Exome Variant Server 0.00085; gnomAD 0.00094 and 0.00097; TOPMed 0.00108; 1000 Genomes Project 0.00160; 1000 Genomes Project 30x 0.00172.
gnomAD v4.1: 255 of 1,613,870 alleles (0.016%); highest among the groups gnomAD compares: African/African-American, 0.31%; 1 homozygote.

Submissions (3):

Labcorp Genetics (formerly Invitae), Labcorp
Classification: Benign for Gamma-aminobutyric acid transaminase deficiency. Last evaluated: 2026-01-19. Review status: criteria provided, single submitter. Criteria: Invitae Variant Classification Sherloc (09022015). Collection method: clinical testing. Allele origin: germline.

Athena Diagnostics
Classification: Benign. Last evaluated: 2019-03-30. Review status: criteria provided, single submitter. Criteria: Athena Diagnostics Criteria. Collection method: clinical testing. Allele origin: germline.

PreventionGenetics, part of Exact Sciences
Classification: Likely benign for ABAT-related condition. Last evaluated: 2019-05-24. Review status: no assertion criteria provided. Collection method: clinical testing. Allele origin: germline. Not counted in ClinVar's aggregate classification.
Comment: This variant is classified as likely benign based on ACMG/AMP sequence variant interpretation guidelines (Richards et al. 2015 PMID: 25741868, with internal and published modifications).

NM_020686.6(ABAT):c.366+10G>A

Gene: ABAT (4-aminobutyrate aminotransferase; plus strand). Cytogenetic location: 16p13.2.
Variant type: single nucleotide variant.
Coding change: c.366+10G>A on transcript NM_020686.6 (MANE Select); 10 bases into the intron after coding-DNA position 366, G replaced by A.
Molecular consequence: intron variant.
Genome position (GRCh38, 1-based): chr16:8,757,816, G>A. VCF-style: chr16-8757816-G-A. GRCh37 (hg19) VCF-style: chr16-8851673-G-A.
Other names: c.366+10G>A (NM_001386602.1, NM_001386609.1, NM_001386605.1 and 10 more transcripts); c.462+10G>A (NM_001386615.1); c.231+10G>A (NM_001386610.1, NM_001386611.1, NM_001386612.1 and 1 more transcripts); c.120+10G>A (NM_001386614.1).
Identifiers: ClinVar variation 529793 (VCV000529793.14), dbSNP rs61307956, ClinGen allele CA7893082.